The following is an entry in ClinVar:

ClinVar aggregate classification (germline): Uncertain significance (1 of 4 stars; one submission).

Submission:

Biesecker Lab/Clinical Genomics Section, National Institutes of Health
Classification: Uncertain significance. Last evaluated: 2013-06-24. Review status: criteria provided, single submitter. Criteria: Ng et al. (Circ Cardiovasc Genet. 2013). Collection method: research. Allele origin: unknown. Observed: 1 variant allele. Study: ClinSeq.
Comment: The study set was not selected for affection status in relation to any cancer. Pathogenicity categories were based on literature curation. See Pubmed ID:23861362 for details.

Medical sequencing

NM_001267550.2(TTN):c.59401G>A (p.Gly19801Ser)

Genes: TTN (titin; minus strand), TTN-AS1 (TTN antisense RNA 1; plus strand), LOC126806424 (CDK7 strongly-dependent group 2 enhancer GRCh37_chr2:179456337-179457536; plus strand). Cytogenetic location: 2q31.2.
Variant type: single nucleotide variant.
Coding change: c.59401G>A on transcript NM_001267550.2 (MANE Select); coding-DNA position 59401, G replaced by A.
Protein change: p.Gly19801Ser; replaces glycine 19801 with serine.
Molecular consequence: missense variant.
Genome position (GRCh38, 1-based): chr2:178,592,604, C>T on the plus strand (G>A on the coding strand, the complement: TTN is on the minus strand). VCF-style: chr2-178592604-C-T. GRCh37 (hg19) VCF-style: chr2-179457331-C-T.
Other names: c.54478G>A, p.Gly18160Ser (NM_001256850.1); c.32206G>A, p.Gly10736Ser (NM_003319.4); c.51697G>A, p.Gly17233Ser (NM_133378.4); c.32581G>A, p.Gly10861Ser (NM_133432.3); c.32782G>A, p.Gly10928Ser (NM_133437.4); short protein forms G17233S, G19801S, G10736S, G10861S, G10928S, G18160S.
Identifiers: ClinVar variation 191932 (VCV000191932.1), dbSNP rs786205306, ClinGen allele CA237906.